The following is an entry in ClinVar:

NM_003322.6(TULP1):c.783_784delinsCC (p.Lys261_Ser262delinsAsnArg)

Gene: TULP1 (TUB like protein 1; minus strand). Cytogenetic location: 6p21.31.
Variant type: Indel.
Coding change: c.783_784delinsCC on transcript NM_003322.6 (MANE Select); coding-DNA positions 783 to 784, GA replaced by CC.
Protein change: p.Lys261_Ser262delinsAsnArg.
Molecular consequence: missense variant.
Genome position (GRCh38, 1-based): chr6:35,509,247-35,509,248, TC replaced by GG on the plus strand (GA replaced by CC on the coding strand, the reverse complement: TULP1 is on the minus strand). VCF-style: chr6-35509247-TC-GG. GRCh37 (hg19) VCF-style: chr6-35477024-TC-GG.
Other names: c.624_625delinsCC, p.Lys208_Ser209delinsAsnArg (NM_001289395.2).
Identifiers: ClinVar variation 4806613 (VCV004806613.1).

ClinVar aggregate classification (germline): Uncertain significance (1 of 4 stars; one submission).

Submission:

Labcorp Genetics (formerly Invitae), Labcorp
Classification: Uncertain significance. Last evaluated: 2025-10-05. Review status: criteria provided, single submitter. Criteria: Invitae Variant Classification Sherloc (09022015). Collection method: clinical testing. Allele origin: germline.
Comment: This variant, c.783_784delinsCC, is a complex sequence change that results in the deletion of 2 and insertion of 2 amino acid(s) in the TULP1 protein (p.Lys261_Ser262delinsAsnArg). Information on the frequency of this variant in the gnomAD database is not available, as this variant may be reported differently in the database. This variant has not been reported in the literature in individuals affected with TULP1-related conditions. Experimental studies and prediction algorithms are not available or were not evaluated, and the functional significance of this variant is currently unknown. In summary, the available evidence is currently insufficient to determine the role of this variant in disease. Therefore, it has been classified as a Variant of Uncertain Significance.